The following is an entry in ClinVar:

NM_024422.6(DSC2):c.559T>C (p.Tyr187His)

Gene: DSC2 (desmocollin 2; minus strand). Cytogenetic location: 18q12.1.
Variant type: single nucleotide variant.
Coding change: c.559T>C on transcript NM_024422.6 (MANE Select); coding-DNA position 559, T replaced by C.
Protein change: p.Tyr187His; replaces tyrosine 187 with histidine.
Molecular consequence: missense variant.
Genome position (GRCh38, 1-based): chr18:31,089,510, A>G on the plus strand (T>C on the coding strand, the complement: DSC2 is on the minus strand). VCF-style: chr18-31089510-A-G. GRCh37 (hg19) VCF-style: chr18-28669473-A-G.
Other names: c.559T>C, p.Tyr187His (NM_004949.5); short protein forms Y187H.
Identifiers: ClinVar variation 840375 (VCV000840375.9), dbSNP rs1251921612, ClinGen allele CA402113590.

ClinVar aggregate classification (germline): Uncertain significance (1 of 4 stars; one submission).

Conditions:
Arrhythmogenic right ventricular dysplasia 11. Also called: ARRHYTHMOGENIC RIGHT VENTRICULAR DYSPLASIA, FAMILIAL, 11; Arrhythmogenic Right Ventricular Dysplasia/Cardiomyopathy11; Arrhythmogenic right ventricular dysplasia 11 with mild palmoplantar keratoderma and woolly hair. Identifiers: MedGen C1864850, MONDO:0012506, OMIM 610476.

Submission:

Labcorp Genetics (formerly Invitae), Labcorp
Classification: Uncertain significance for Arrhythmogenic right ventricular dysplasia 11. Last evaluated: 2019-01-31. Review status: criteria provided, single submitter. Criteria: Invitae Variant Classification Sherloc (09022015). Collection method: clinical testing. Allele origin: germline.
Comment: Algorithms developed to predict the effect of missense changes on protein structure and function (SIFT, PolyPhen-2, Align-GVGD) all suggest that this variant is likely to be tolerated, but these predictions have not been confirmed by published functional studies and their clinical significance is uncertain. This sequence change replaces tyrosine with histidine at codon 187 of the DSC2 protein (p.Tyr187His). The tyrosine residue is moderately conserved and there is a moderate physicochemical difference between tyrosine and histidine. This variant is not present in population databases (ExAC no frequency). This variant has not been reported in the literature in individuals with DSC2-related conditions. In summary, the available evidence is currently insufficient to determine the role of this variant in disease. Therefore, it has been classified as a Variant of Uncertain Significance.